The following is an entry in ClinVar:

ClinVar aggregate classification (germline): Likely benign. Review status: criteria provided, multiple submitters, no conflicts (2 of 4 stars). 2 submissions from 2 submitters: Likely benign (2). Last evaluated 2023-08-17.

Allele frequency attached by ClinVar (database versions not stated): gnomAD 0.00001; TOPMed 0.00001; gnomAD exomes 0.00002.
gnomAD v4.1: 35 of 1,613,932 alleles (0.0022%); highest among the groups gnomAD compares: Non-Finnish European, 0.0029%; no homozygotes.

Submissions (2):

Labcorp Genetics (formerly Invitae), Labcorp
Classification: Likely benign. Last evaluated: 2023-08-17. Review status: criteria provided, single submitter. Criteria: Invitae Variant Classification Sherloc (09022015). Collection method: clinical testing. Allele origin: germline.

CeGaT Center for Human Genetics Tuebingen
Classification: Likely benign. Last evaluated: 2023-01-01. Review status: criteria provided, single submitter. Criteria: CeGaT Center For Human Genetics Tuebingen Variant Classification Criteria Version 2. Collection method: clinical testing. Allele origin: germline. Affected: yes. Observed: 1 variant allele.
Comment: KMT2E: BP4, BP7

NM_182931.3(KMT2E):c.5301T>C (p.His1767=)

Gene: KMT2E (lysine methyltransferase 2E (inactive); plus strand). Cytogenetic location: 7q22.3.
Variant type: single nucleotide variant.
Coding change: c.5301T>C on transcript NM_182931.3 (MANE Select); coding-DNA position 5301, T replaced by C.
Protein change: p.His1767=; no amino-acid change (histidine 1767 retained).
Molecular consequence: synonymous variant.
Genome position (GRCh38, 1-based): chr7:105,113,057, T>C. VCF-style: chr7-105113057-T-C. GRCh37 (hg19) VCF-style: chr7-104753504-T-C.
Other names: c.5175T>C, p.His1725= (NM_001410908.1); c.5301T>C, p.His1767= (NM_018682.4).
Identifiers: ClinVar variation 2657915 (VCV002657915.27), dbSNP rs1229067251, ClinGen allele CA457201375.